The following is an entry in ClinVar:

NM_002496.4(NDUFS8):c.373-267T>G

Gene: NDUFS8 (NADH:ubiquinone oxidoreductase core subunit S8; plus strand). Cytogenetic location: 11q13.2.
Variant type: single nucleotide variant.
Coding change: c.373-267T>G on transcript NM_002496.4 (MANE Select); 267 bases into the intron before coding-DNA position 373, T replaced by G.
Molecular consequence: intron variant.
Genome position (GRCh38, 1-based): chr11:68,035,986, T>G. VCF-style: chr11-68035986-T-G. GRCh37 (hg19) VCF-style: chr11-67803453-T-G.
Identifiers: ClinVar variation 671791 (VCV000671791.2), dbSNP rs140602229, ClinGen allele CA13486044.

ClinVar aggregate classification (germline): Benign. Review status: criteria provided, multiple submitters, no conflicts (2 of 4 stars). 2 submissions from 2 submitters: Benign (2). Last evaluated 2018-06-19.

Allele frequency attached by ClinVar (database versions not stated): gnomAD exomes 0.08865; 1000 Genomes Project 30x 0.11790; 1000 Genomes Project 0.11801; TOPMed 0.12240; gnomAD 0.12334 and 0.12352.
gnomAD v4.1: 42,085 of 419,932 alleles (10%); highest among the groups gnomAD compares: African/African-American, 15%; 2,464 homozygotes.

Submissions (2):

GeneDx
Classification: Benign. Last evaluated: 2018-06-19. Review status: criteria provided, single submitter. Criteria: GeneDx Variant Classification (06012015). Collection method: clinical testing. Allele origin: germline. Affected: yes.
Comment: This variant is considered likely benign or benign based on one or more of the following criteria: it is a conservative change, it occurs at a poorly conserved position in the protein, it is predicted to be benign by multiple in silico algorithms, and/or has population frequency not consistent with disease.

Breakthrough Genomics
Classification: Benign. Review status: criteria provided, single submitter. Criteria: ACMG Guidelines, 2015. Collection method: not provided. Allele origin: germline. Inheritance: Autosomal recessive inheritance. Affected: yes.